The following is an entry in ClinVar:

ClinVar aggregate classification (germline): Uncertain significance (1 of 4 stars; one submission).

gnomAD v4.1: 39 of 1,545,494 alleles (0.0025%); highest among the groups gnomAD compares: African/African-American, 0.015%; no homozygotes.

Submission:

Labcorp Genetics (formerly Invitae), Labcorp
Classification: Uncertain significance. Last evaluated: 2024-05-15. Review status: criteria provided, single submitter. Criteria: Invitae Variant Classification Sherloc (09022015). Collection method: clinical testing. Allele origin: germline.
Comment: This sequence change replaces alanine, which is neutral and non-polar, with threonine, which is neutral and polar, at codon 15 of the PITRM1 protein (p.Ala15Thr). The frequency data for this variant in the population databases is considered unreliable, as metrics indicate poor data quality at this position in the gnomAD database. This variant has not been reported in the literature in individuals affected with PITRM1-related conditions. ClinVar contains an entry for this variant (Variation ID: 1398508). An algorithm developed to predict the effect of missense changes on protein structure and function (PolyPhen-2) suggests that this variant is likely to be tolerated. In summary, the available evidence is currently insufficient to determine the role of this variant in disease. Therefore, it has been classified as a Variant of Uncertain Significance.

NM_014889.4(PITRM1):c.36G>A (p.Val12=)

Genes: PITRM1 (pitrilysin metallopeptidase 1; minus strand), LOC130003177 (ATAC-STARR-seq lymphoblastoid silent region 2073; plus strand). Cytogenetic location: 10p15.2.
Variant type: single nucleotide variant.
Coding change: c.36G>A on transcript NM_014889.4 (MANE Select); coding-DNA position 36, G replaced by A.
Protein change: p.Val12=; no amino-acid change (valine 12 retained).
Molecular consequence: synonymous variant. On other transcripts: non-coding transcript variant (4), missense variant (1), 5 prime UTR variant (3).
Genome position (GRCh38, 1-based): chr10:3,172,737, C>T on the plus strand (G>A on the coding strand, the complement: PITRM1 is on the minus strand). VCF-style: chr10-3172737-C-T. GRCh37 (hg19) VCF-style: chr10-3214929-C-T.
Other names: c.36G>A, p.Val12= (NM_001242307.2, NM_001347725.2); c.43G>A, p.Ala15Thr (NM_001242309.1); c.-536G>A (NM_001347726.2, NM_001347727.2); c.-1265G>A (NM_001347728.2); short protein forms A15T.
Identifiers: ClinVar variation 1398508 (VCV001398508.9), dbSNP rs769060443, ClinGen allele CA201379475.